The following is an entry in ClinVar:

ClinVar aggregate classification (germline): Conflicting classifications of pathogenicity. Review status: criteria provided, conflicting classifications (1 of 4 stars). 4 submissions from 4 submitters: Uncertain significance (3); Likely benign (1). Last evaluated 2026-01-28.

Conditions:
Hereditary cancer-predisposing syndrome. Also called: Hereditary Cancer Syndrome; Hereditary neoplastic syndrome; Neoplastic Syndromes, Hereditary; Tumor predisposition. Identifiers: Orphanet 140162, MedGen C0027672, MeSH D009386, MONDO:0015356.

Allele frequency attached by ClinVar (database versions not stated): gnomAD exomes below 0.00001 and 0.00002; gnomAD 0.00001; TOPMed 0.00001.
gnomAD v4.1: 24 of 1,611,486 alleles (0.0015%); highest among the groups gnomAD compares: Admixed American, 0.0067%; no homozygotes.

Submissions (4):

Labcorp Genetics (formerly Invitae), Labcorp
Classification: Uncertain significance. Last evaluated: 2026-01-28. Review status: criteria provided, single submitter. Criteria: Invitae Variant Classification Sherloc (09022015). Collection method: clinical testing. Allele origin: germline.
Comment: This sequence change replaces alanine, which is neutral and non-polar, with valine, which is neutral and non-polar, at codon 781 of the POLE protein (p.Ala781Val). The frequency data for this variant in the population databases is considered unreliable, as metrics indicate poor data quality at this position in the gnomAD database. This missense change has been observed in individual(s) with breast cancer (PMID: 35534704). ClinVar contains an entry for this variant (Variation ID: 405802). Invitae Evidence Modeling of protein sequence and biophysical properties (such as structural, functional, and spatial information, amino acid conservation, physicochemical variation, residue mobility, and thermodynamic stability) indicates that this missense variant is not expected to disrupt POLE protein function with a negative predictive value of 80%. In summary, the available evidence is currently insufficient to determine the role of this variant in disease. Therefore, it has been classified as a Variant of Uncertain Significance.

GeneDx
Classification: Uncertain significance. Last evaluated: 2025-06-20. Review status: criteria provided, single submitter. Criteria: GeneDx Variant Classification Process June 2021. Collection method: clinical testing. Allele origin: germline. Affected: yes.
Comment: In silico analysis suggests that this missense variant does not alter protein structure/function; Not observed at significant frequency in large population cohorts (gnomAD); This variant is associated with the following publications: (PMID: 20951805, 35534704)

Ambry Genetics
Classification: Likely benign for Hereditary cancer-predisposing syndrome. Last evaluated: 2024-12-09. Review status: criteria provided, single submitter. Criteria: Ambry Variant Classification Scheme 2023. Collection method: clinical testing. Allele origin: germline.

Mendelics
Classification: Uncertain significance. Last evaluated: 2022-05-04. Review status: criteria provided, single submitter. Criteria: Mendelics Assertion Criteria 2019. Collection method: clinical testing. Allele origin: germline.

Literature cited by the submitters: PubMed 35534704 (cited by Labcorp Genetics (formerly Invitae), Labcorp).

NM_006231.4(POLE):c.2342C>T (p.Ala781Val)

Gene: POLE (DNA polymerase epsilon, catalytic subunit; minus strand). Cytogenetic location: 12q24.33.
Variant type: single nucleotide variant.
Coding change: c.2342C>T on transcript NM_006231.4 (MANE Select); coding-DNA position 2342, C replaced by T.
Protein change: p.Ala781Val; replaces alanine 781 with valine.
Molecular consequence: missense variant.
Genome position (GRCh38, 1-based): chr12:132,665,428, G>A on the plus strand (C>T on the coding strand, the complement: POLE is on the minus strand). VCF-style: chr12-132665428-G-A. GRCh37 (hg19) VCF-style: chr12-133242014-G-A.
Other names: short protein forms A781V.
Identifiers: ClinVar variation 405802 (VCV000405802.15), dbSNP rs1060500855, ClinGen allele CA16613863.